The following is an entry in ClinVar:

NM_000256.3(MYBPC3):c.999del (p.Glu332_Tyr333insTer)

Gene: MYBPC3 (myosin binding protein C3; minus strand). Cytogenetic location: 11p11.2.
Variant type: Deletion.
Coding change: c.999del on transcript NM_000256.3 (MANE Select); coding-DNA position 999, one base deleted (C; older notation c.999delC).
Protein change: p.Glu332_Tyr333insTer.
Molecular consequence: nonsense.
Genome position (GRCh38, 1-based): chr11:47,346,298, G deleted on the plus strand (C on the coding strand, the reverse complement: MYBPC3 is on the minus strand). VCF-style (leftmost placement, unchanged base first): chr11-47346297-CG-C. GRCh37 (hg19) VCF-style: chr11-47367848-CG-C.
Identifiers: ClinVar variation 2773757 (VCV002773757.3), dbSNP rs2495771025, ClinGen allele CA2697548549.

ClinVar aggregate classification (germline): Pathogenic. Review status: criteria provided, multiple submitters, no conflicts (2 of 4 stars). 2 submissions from 2 submitters: Pathogenic (2). Last evaluated 2023-07-19.

Conditions:
Cardiomyopathy (CMYO). Also called: Cardiomyopathies. Identifiers: Orphanet 167848, MedGen C0878544, MONDO:0004994, HP:0001638. Inheritance: Various modes of inheritance.
Hypertrophic cardiomyopathy. Also called: HYPERTROPHIC MYOCARDIOPATHY. Identifiers: Orphanet 217569, MedGen C0007194, MeSH D002312, MONDO:0005045, HP:0001639.

Submissions (2):

All of Us Research Program, National Institutes of Health
Classification: Pathogenic for Hypertrophic cardiomyopathy. Last evaluated: 2023-07-19. Review status: criteria provided, single submitter. Criteria: ACMG Guidelines, 2015. Collection method: clinical testing. Allele origin: germline. Inheritance: Autosomal dominant inheritance. Observed: 1 variant allele, 1 heterozygote.
Comment: This variant deletes 1 nucleotide in exon 12 of the MyBP-C motif of the MYBPC3 gene, creating a frameshift and premature translation stop signal. This variant is expected to result in an absent or non-functional protein product. To our knowledge, this variant has not been reported in individuals affected with cardiovascular disorders in the literature. This variant has not been identified in the general population by the Genome Aggregation Database (gnomAD). Loss of MYBPC3 function is a known mechanism of disease. Based on the available evidence, this variant is classified as Pathogenic.

This study involves interpretation of variants in research participants for the purpose of population health screening. Participant phenotype was not available at the time of variant classification. Additional details can be found in publication PMID: 35346344, PMCID: PMC8962531

Color Diagnostics, LLC DBA Color Health
Classification: Pathogenic for Cardiomyopathy. Last evaluated: 2022-10-13. Review status: criteria provided, single submitter. Criteria: ACMG Guidelines, 2015. Collection method: clinical testing. Allele origin: germline.
Comment: This variant deletes 1 nucleotide in exon 12 of the MyBP-C motif of the MYBPC3 gene, creating a frameshift and premature translation stop signal. This variant is expected to result in an absent or non-functional protein product. To our knowledge, this variant has not been reported in individuals affected with cardiovascular disorders in the literature. This variant has not been identified in the general population by the Genome Aggregation Database (gnomAD). Loss of MYBPC3 function is a known mechanism of disease. Based on the available evidence, this variant is classified as Pathogenic.